The following is an entry in ClinVar:

ClinVar aggregate classification (germline): Benign/Likely benign. Review status: criteria provided, multiple submitters, no conflicts (2 of 4 stars). 6 submissions from 6 submitters: Benign (4); Likely benign (2). Last evaluated 2026-01-28.

Conditions:
Factor V deficiency. Also called: Reduced coagulation factor V activity. Identifiers: Orphanet 326, MedGen C4317320, MONDO:0020586, HP:0003225.
Ischemic stroke. Also called: CEREBROVASCULAR ACCIDENT; Ischemic stroke, susceptibility to. Identifiers: MedGen C0948008, MONDO:1060198, OMIM 601367, HP:0002140.
Pregnancy loss, recurrent, susceptibility to, 1 (RPRGL1). Also called: EMBRYONIC LOSS, RECURRENT; MISCARRIAGE, RECURRENT; STILLBIRTH, RECURRENT; FETAL LOSS, RECURRENT, SUSCEPTIBILITY TO. Identifiers: MedGen C3280670, MONDO:0013727, OMIM 614389.
Budd-Chiari syndrome (BDCHS). Also called: Hepatic vein obstruction. Identifiers: Orphanet 131, MedGen C0856761, MONDO:0010947, OMIM 600880, HP:0002639.
Thrombophilia due to activated protein C resistance (THPH2). Also called: PCCF DEFICIENCY; PROC COFACTOR DEFICIENCY; Hereditary Resistance to Activated Protein C; APC resistance; Activated protein C resistance; THROMBOPHILIA DUE TO DEFICIENCY OF ACTIVATED PROTEIN C COFACTOR. Identifiers: MedGen C1861171, MONDO:0008560, OMIM 188055. Disease mechanism: loss of function, gain of function.
Congenital factor V deficiency. Also called: LABILE FACTOR DEFICIENCY; OWREN PARAHEMOPHILIA; PARAHEMOPHILIA; Hereditary factor V deficiency disease. Identifiers: Orphanet 326, MedGen C0015499, MONDO:0009210, OMIM 227400.

Allele frequency attached by ClinVar (database versions not stated): gnomAD exomes 0.00036 and 0.00074; ExAC 0.00094; 1000 Genomes Project 30x 0.00312; 1000 Genomes Project 0.00339; gnomAD 0.00344 and 0.00366; ESP Exome Variant Server 0.00392; TOPMed 0.00399.

Submissions (6):

Labcorp Genetics (formerly Invitae), Labcorp
Classification: Benign for Congenital factor V deficiency. Last evaluated: 2026-01-28. Review status: criteria provided, single submitter. Criteria: Invitae Variant Classification Sherloc (09022015). Collection method: clinical testing. Allele origin: germline.

Mayo Clinic Laboratories, Mayo Clinic
Classification: Likely benign. Last evaluated: 2024-12-04. Review status: criteria provided, single submitter. Criteria: ACMG Guidelines, 2015. Collection method: clinical testing. Allele origin: germline. Observed: 1 variant allele.
Comment: BS1, BS2_supporting, BP4_moderate

Blueprint Genetics
Classification: Likely benign. Last evaluated: 2024-11-25. Review status: criteria provided, single submitter. Criteria: ACMG Guidelines, 2015. Collection method: clinical testing. Allele origin: germline.

CeGaT Center for Human Genetics Tuebingen
Classification: Benign. Last evaluated: 2022-04-01. Review status: criteria provided, single submitter. Criteria: CeGaT Center For Human Genetics Tuebingen Variant Classification Criteria Version 2. Collection method: clinical testing. Allele origin: germline. Affected: yes. Observed: 1 variant allele.
Comment: F5: BP4, BS1, BS2

Fulgent Genetics
Classification: Benign for Thrombophilia due to activated protein C resistance; Congenital factor V deficiency; Budd-Chiari syndrome; Ischemic stroke; Pregnancy loss, recurrent, susceptibility to, 1. Last evaluated: 2021-08-04. Review status: criteria provided, single submitter. Criteria: ACMG Guidelines, 2015. Collection method: clinical testing. Allele origin: unknown.

Breakthrough Genomics
Classification: Benign. Review status: criteria provided, single submitter. Criteria: ACMG Guidelines, 2015. Collection method: not provided. Allele origin: germline. Inheritance: Multifactorial inheritance. Affected: yes.

NM_000130.5(F5):c.2129A>G (p.His710Arg)

Gene: F5 (coagulation factor V; minus strand). Cytogenetic location: 1q24.2.
Variant type: single nucleotide variant.
Coding change: c.2129A>G on transcript NM_000130.5 (MANE Select); coding-DNA position 2129, A replaced by G.
Protein change: p.His710Arg; replaces histidine 710 with arginine.
Molecular consequence: missense variant.
Genome position (GRCh38, 1-based): chr1:169,542,961, T>C on the plus strand (A>G on the coding strand, the complement: F5 is on the minus strand). VCF-style: chr1-169542961-T-C. GRCh37 (hg19) VCF-style: chr1-169512199-T-C.
Other names: p.His710Arg; short protein forms H710R.
Identifiers: ClinVar variation 716055 (VCV000716055.34), dbSNP rs115954845, ClinGen allele CA1234145.